The following is an entry in ClinVar:

ClinVar aggregate classification (germline): Uncertain significance (1 of 4 stars; one submission).

Conditions:
Dilated cardiomyopathy 1JJ (CMD1JJ). Identifiers: Orphanet 154, MedGen C3808935, MONDO:0014095, OMIM 615235.

Submission:

Labcorp Genetics (formerly Invitae), Labcorp
Classification: Uncertain significance for Dilated cardiomyopathy 1JJ. Last evaluated: 2024-07-15. Review status: criteria provided, single submitter. Criteria: Invitae Variant Classification Sherloc (09022015). Collection method: clinical testing. Allele origin: germline.
Comment: This sequence change replaces asparagine, which is neutral and polar, with serine, which is neutral and polar, at codon 1206 of the LAMA4 protein (p.Asn1206Ser). This variant is not present in population databases (gnomAD no frequency). This variant has not been reported in the literature in individuals affected with LAMA4-related conditions. ClinVar contains an entry for this variant (Variation ID: 1349537). An algorithm developed to predict the effect of missense changes on protein structure and function (PolyPhen-2) suggests that this variant is likely to be disruptive. In summary, the available evidence is currently insufficient to determine the role of this variant in disease. Therefore, it has been classified as a Variant of Uncertain Significance.

NM_001105206.3(LAMA4):c.3638A>G (p.Asn1213Ser)

Gene: LAMA4 (laminin subunit alpha 4; minus strand). Cytogenetic location: 6q21.
Variant type: single nucleotide variant.
Coding change: c.3638A>G on transcript NM_001105206.3 (MANE Select); coding-DNA position 3638, A replaced by G.
Protein change: p.Asn1213Ser; replaces asparagine 1213 with serine.
Molecular consequence: missense variant.
Genome position (GRCh38, 1-based): chr6:112,133,407, T>C on the plus strand (A>G on the coding strand, the complement: LAMA4 is on the minus strand). VCF-style: chr6-112133407-T-C. GRCh37 (hg19) VCF-style: chr6-112454609-T-C.
Other names: c.3617A>G, p.Asn1206Ser (NM_001105207.3, NM_002290.5); short protein forms N1213S, N1206S.
Identifiers: ClinVar variation 1349537 (VCV001349537.6), dbSNP rs1554330550, ClinGen allele CA365375502.